The following is an entry in ClinVar:

NM_001204.7(BMPR2):c.2629G>A (p.Ala877Thr)

Gene: BMPR2 (bone morphogenetic protein receptor type 2; plus strand). Cytogenetic location: 2q33.2.
Variant type: single nucleotide variant.
Coding change: c.2629G>A on transcript NM_001204.7 (MANE Select); coding-DNA position 2629, G replaced by A.
Protein change: p.Ala877Thr; replaces alanine 877 with threonine.
Molecular consequence: missense variant.
Genome position (GRCh38, 1-based): chr2:202,556,294, G>A. VCF-style: chr2-202556294-G-A. GRCh37 (hg19) VCF-style: chr2-203421017-G-A.
Other names: short protein forms A877T.
Identifiers: ClinVar variation 3992082 (VCV003992082.1).
Genomic context (GRCh38, chr2:202,556,294, plus strand): 5'-CGGCTGAATATTAATTCCAGTCCTGATGAGCATGAGCCTTTACTGAGACGAGAGCAACAA[G>A]CTGGCCATGATGAAGGTGTTCTGGATCGTCTTGTGGACAGGAGGGAACGGCCACTAGAAG-3'
Protein context (NP_001195.2, residues 867-887): HEPLLRREQQ[Ala877Thr]GHDEGVLDRL

ClinVar aggregate classification (germline): Uncertain significance (1 of 4 stars; one submission).

Conditions:
Inborn genetic diseases. Identifiers: MedGen C0950123, MeSH D030342.

Submission:

Ambry Genetics
Classification: Uncertain significance for Inborn genetic diseases. Last evaluated: 2025-03-30. Review status: criteria provided, single submitter. Criteria: Ambry Variant Classification Scheme 2023. Collection method: clinical testing. Allele origin: germline.
Comment: The p.A877T variant (also known as c.2629G>A), located in coding exon 12 of the BMPR2 gene, results from a G to A substitution at nucleotide position 2629. The alanine at codon 877 is replaced by threonine, an amino acid with similar properties. This amino acid position is conserved. In addition, this alteration is predicted to be tolerated by in silico analysis. Based on the available evidence, the clinical significance of this variant remains unclear.